The following is an entry in ClinVar:

NM_000246.4(CIITA):c.1241G>T (p.Arg414Leu)

Gene: CIITA (class II major histocompatibility complex transactivator; plus strand). Cytogenetic location: 16p13.13.
Variant type: single nucleotide variant.
Coding change: c.1241G>T on transcript NM_000246.4 (MANE Select); coding-DNA position 1241, G replaced by T.
Protein change: p.Arg414Leu; replaces arginine 414 with leucine.
Molecular consequence: missense variant. On other transcripts: intron variant (1).
Genome position (GRCh38, 1-based): chr16:10,906,733, G>T. VCF-style: chr16-10906733-G-T. GRCh37 (hg19) VCF-style: chr16-11000590-G-T.
Other names: c.1244G>T, p.Arg415Leu (NM_001286402.1, NM_001379332.1); c.1097G>T, p.Arg366Leu (NM_001379330.1); c.1094G>T, p.Arg365Leu (NM_001379331.1); c.1241G>T, p.Arg414Leu (NM_001379333.1); c.1172G>T, p.Arg391Leu (NM_001379334.1); c.859+1921G>T (NM_001286403.2); short protein forms R414L, R415L, R365L, R366L, R391L.
Identifiers: ClinVar variation 459191 (VCV000459191.7), dbSNP rs572327540, ClinGen allele CA394730056.

ClinVar aggregate classification (germline): Uncertain significance (1 of 4 stars; one submission).

Conditions:
MHC class II deficiency. Also called: Bare lymphocyte syndrome 2; BLS, TYPE II. Identifiers: Orphanet 572, MedGen C5447452, MONDO:0008855.

Allele frequency attached by ClinVar (database versions not stated): TOPMed below 0.00001.
gnomAD v4.1: 7 of 1,610,838 alleles (0.00043%); highest among the groups gnomAD compares: Non-Finnish European, 0.00059%; no homozygotes.

Submission:

Labcorp Genetics (formerly Invitae), Labcorp
Classification: Uncertain significance for MHC class II deficiency. Last evaluated: 2022-08-10. Review status: criteria provided, single submitter. Criteria: Invitae Variant Classification Sherloc (09022015). Collection method: clinical testing. Allele origin: germline.
Comment: This sequence change replaces arginine, which is basic and polar, with leucine, which is neutral and non-polar, at codon 414 of the CIITA protein (p.Arg414Leu). This variant is not present in population databases (gnomAD no frequency). This variant has not been reported in the literature in individuals affected with CIITA-related conditions. ClinVar contains an entry for this variant (Variation ID: 459191). Algorithms developed to predict the effect of missense changes on protein structure and function (SIFT, PolyPhen-2, Align-GVGD) all suggest that this variant is likely to be tolerated. In summary, the available evidence is currently insufficient to determine the role of this variant in disease. Therefore, it has been classified as a Variant of Uncertain Significance.